The following is an entry in ClinVar:

NM_004336.5(BUB1):c.1955G>A (p.Gly652Glu)

Gene: BUB1 (BUB1 mitotic checkpoint serine/threonine kinase; minus strand). Cytogenetic location: 2q13.
Variant type: single nucleotide variant.
Coding change: c.1955G>A on transcript NM_004336.5 (MANE Select); coding-DNA position 1955, G replaced by A.
Protein change: p.Gly652Glu; replaces glycine 652 with glutamic acid.
Molecular consequence: missense variant.
Genome position (GRCh38, 1-based): chr2:110,653,445, C>T on the plus strand (G>A on the coding strand, the complement: BUB1 is on the minus strand). VCF-style: chr2-110653445-C-T. GRCh37 (hg19) VCF-style: chr2-111411022-C-T.
Other names: c.1895G>A, p.Gly632Glu (NM_001278616.2); c.1955G>A, p.Gly652Glu (NM_001278617.2); short protein forms G632E, G652E.
Identifiers: ClinVar variation 1783297 (VCV001783297.3), dbSNP rs1378372412, ClinGen allele CA348210233.

ClinVar aggregate classification (germline): Uncertain significance (1 of 4 stars; one submission).

Allele frequency attached by ClinVar (database versions not stated): gnomAD 0.00001; gnomAD exomes 0.00001.

Submission:

Ambry Genetics
Classification: Uncertain significance. Last evaluated: 2024-04-24. Review status: criteria provided, single submitter. Criteria: Ambry Variant Classification Scheme 2023. Collection method: clinical testing. Allele origin: germline.
Comment: The p.G652E variant (also known as c.1955G>A), located in coding exon 17 of the BUB1 gene, results from a G to A substitution at nucleotide position 1955. The glycine at codon 652 is replaced by glutamic acid, an amino acid with similar properties. This amino acid position is conserved. In addition, this alteration is predicted to be tolerated by in silico analysis. Since supporting evidence is limited at this time, the clinical significance of this alteration remains unclear.